The following is an entry in ClinVar:

ClinVar aggregate classification (germline): Pathogenic (1 of 4 stars; one submission).

Conditions:
Breast-ovarian cancer, familial, susceptibility to, 2 (BROVCA2). Also called: BRCA2 Hereditary Breast and Ovarian Cancer. Identifiers: Orphanet 145, MedGen C2675520, MONDO:0012933, OMIM 612555. Disease mechanism: loss of function.

Submission:

Myriad Genetics, Inc.
Classification: Pathogenic for Breast-ovarian cancer, familial, susceptibility to, 2. Last evaluated: 2023-02-13. Review status: criteria provided, single submitter. Criteria: Myriad Autosomal Dominant, Autosomal Recessive and X-Linked Classification Criteria (2023). Collection method: clinical testing. Allele origin: unknown.
Comment: This variant is considered pathogenic. This variant creates a frameshift predicted to result in premature protein truncation.

NM_000059.4(BRCA2):c.2554_2559delinsT (p.Phe851_Asn852insTer)

Gene: BRCA2 (BRCA2 DNA repair associated; plus strand). Cytogenetic location: 13q13.1.
Variant type: Indel.
Coding change: c.2554_2559delinsT on transcript NM_000059.4 (MANE Select); coding-DNA positions 2554 to 2559, AACCAA replaced by T.
Protein change: p.Phe851_Asn852insTer.
Molecular consequence: nonsense. On other transcripts: non-coding transcript variant (1), intron variant (2).
Genome position (GRCh38, 1-based): chr13:32,336,909-32,336,914, AACCAA replaced by T. VCF-style: chr13-32336909-AACCAA-T. GRCh37 (hg19) VCF-style: chr13-32911046-AACCAA-T.
Other names: c.2554_2559delinsT, p.Phe851_Asn852insTer (NM_001406719.1, NM_001406720.1); c.1909+3522_1909+3527delinsT (NM_001406721.1); c.424+5879_424+5884delinsT (NM_001406722.1).
Identifiers: ClinVar variation 2573322 (VCV002573322.1), dbSNP rs2548524249, ClinGen allele CA2580614658.